The following is an entry in ClinVar:

NM_001195518.2(MICU1):c.190G>A (p.Asp64Asn)

Gene: MICU1 (mitochondrial calcium uptake 1; minus strand). Cytogenetic location: 10q22.1.
Variant type: single nucleotide variant.
Coding change: c.190G>A on transcript NM_001195518.2 (MANE Select); coding-DNA position 190, G replaced by A.
Protein change: p.Asp64Asn; replaces aspartic acid 64 with asparagine.
Molecular consequence: missense variant.
Genome position (GRCh38, 1-based): chr10:72,563,035, C>T on the plus strand (G>A on the coding strand, the complement: MICU1 is on the minus strand). VCF-style: chr10-72563035-C-T. GRCh37 (hg19) VCF-style: chr10-74322793-C-T.
Other names: c.190G>A (NM_006077.3); c.190G>A, p.Asp64Asn (NM_001363513.2, NM_006077.4); short protein forms D64N.
Identifiers: ClinVar variation 2130997 (VCV002130997.5), dbSNP rs1373235194, ClinGen allele CA377395523.

ClinVar aggregate classification (germline): Conflicting classifications of pathogenicity. Review status: criteria provided, conflicting classifications (1 of 4 stars). 2 submissions from 2 submitters: Uncertain significance (1); Likely benign (1). Last evaluated 2025-09-10.

Conditions:
Inborn genetic diseases. Identifiers: MedGen C0950123, MeSH D030342.

gnomAD v4.1: 4 of 1,591,302 alleles (0.00025%); highest among the groups gnomAD compares: African/African-American, 0.0014%; no homozygotes.

Submissions (2):

Ambry Genetics
Classification: Likely benign for Inborn genetic diseases. Last evaluated: 2025-09-10. Review status: criteria provided, single submitter. Criteria: Ambry Variant Classification Scheme 2023. Collection method: clinical testing. Allele origin: germline.

Labcorp Genetics (formerly Invitae), Labcorp
Classification: Uncertain significance. Last evaluated: 2022-08-22. Review status: criteria provided, single submitter. Criteria: Invitae Variant Classification Sherloc (09022015). Collection method: clinical testing. Allele origin: germline.
Comment: This variant is not present in population databases (gnomAD no frequency). This sequence change replaces aspartic acid, which is acidic and polar, with asparagine, which is neutral and polar, at codon 64 of the MICU1 protein (p.Asp64Asn). This variant has not been reported in the literature in individuals affected with MICU1-related conditions. In summary, the available evidence is currently insufficient to determine the role of this variant in disease. Therefore, it has been classified as a Variant of Uncertain Significance. Algorithms developed to predict the effect of missense changes on protein structure and function output the following: SIFT: "Tolerated"; PolyPhen-2: "Not Available"; Align-GVGD: "Class C0". The asparagine amino acid residue is found in multiple mammalian species, which suggests that this missense change does not adversely affect protein function.